The following is an entry in ClinVar:

ClinVar aggregate classification (germline): Likely pathogenic (3 of 4 stars; one submission).

Conditions:
Alpha-actinopathy. Also called: Actinopathy. Identifiers: MedGen CN295279, MONDO:0100084.

Submission:

ClinGen Congenital Myopathies Variant Curation Expert Panel, ClinGen
Classification: Likely pathogenic for Alpha-actinopathy. Last evaluated: 2026-09-14. Review status: reviewed by expert panel. Criteria: ClinGen CongenMyopathy ACMG Specifications ACTA1_AD_ V2.0.0. Collection method: curation. Allele origin: germline. Inheritance: Autosomal dominant inheritance.
Comment: The NM_001100.4(ACTA1):c.686T>G variant in ACTA1 is a missense variant predicted to cause substitution of methionine by arginine at amino acid 229 (p.Met229Arg). This variant is absent from gnomAD v.4.1.1 (PM2_Supporting). The computational predictor REVEL gives a score of 0.94, which is above the VCEP threshold of 0.7, evidence that correlates with impact to ACTA1 function (PP3). ACTA1, in which the variant was identified, is defined by the ClinGen Congenital Myopathies VCEP as a gene that has a low rate of benign missense variation and where pathogenic missense variants are a common mechanism of disease (PP2). Three missense variants, [c.686T>C (p.Met229Thr), c.685A>T (p.Met229Leu), and c.685A>G (p.Met229Val); SCV007612356.1, SCV007612355.1, SCV007612357.1, respectively] in the same codon have been classified as pathogenic or likely pathogenic for autosomal dominant alpha-actinopathy by the ClinGen Congenital Myopathies VCEP (PM5_Strong). This variant has been identified as a de novo occurrence with unconfirmed parental relationships in one individual with features of ACTA1-related myopathy including proximal myopathy and delayed onset of walking (PM6_Supporting; VCEP internal contributor). In summary, this variant meets the criteria to be classified as likely pathogenic for autosomal dominant alpha actinopathy based on the ACMG/AMP criteria applied, as specified by the ClinGen Congenital Myopathies VCEP: PM2_Supporting, PP3, PP2, PM5_Strong, PM6_Supporting (ClinGen Congenital Myopathies VCEP Specifications Version 2.0).

NM_001100.4(ACTA1):c.686T>G (p.Met229Arg)

Gene: ACTA1 (actin alpha 1, skeletal muscle; minus strand). Cytogenetic location: 1q42.13.
Variant type: single nucleotide variant.
Coding change: c.686T>G on transcript NM_001100.4 (MANE Select); coding-DNA position 686, T replaced by G.
Protein change: p.Met229Arg; replaces methionine 229 with arginine.
Molecular consequence: missense variant.
Genome position (GRCh38, 1-based): chr1:229,432,116, A>C on the plus strand (T>G on the coding strand, the complement: ACTA1 is on the minus strand). VCF-style: chr1-229432116-A-C. GRCh37 (hg19) VCF-style: chr1-229567863-A-C.
Other names: NM_001100.4:c.686T>G; short protein forms M229R.
Identifiers: ClinVar variation 4976912 (VCV004976912.1).